The following is an entry in ClinVar:

NM_001099922.3(ALG13):c.2372G>A (p.Arg791Gln)

Gene: ALG13 (ALG13 UDP-N-acetylglucosaminyltransferase subunit; plus strand). Cytogenetic location: Xq23.
Variant type: single nucleotide variant.
Coding change: c.2372G>A on transcript NM_001099922.3 (MANE Select); coding-DNA position 2372, G replaced by A.
Protein change: p.Arg791Gln; replaces arginine 791 with glutamine.
Molecular consequence: missense variant. On other transcripts: non-coding transcript variant (1).
Genome position (GRCh38, 1-based): chrX:111,730,398, G>A. VCF-style: chrX-111730398-G-A. GRCh37 (hg19) VCF-style: chrX-110973626-G-A.
Other names: c.2060G>A, p.Arg687Gln (NM_001257230.2, NM_001257234.2, NM_001257237.2); c.2138G>A, p.Arg713Gln (NM_001257231.2); c.2372G>A, p.Arg791Gln (NM_001324292.2); c.1886G>A, p.Arg629Gln (NM_001324293.1); short protein forms R791Q, R687Q, R629Q, R713Q.
Identifiers: ClinVar variation 540338 (VCV000540338.33), dbSNP rs374290658, ClinGen allele CA334444722.

ClinVar aggregate classification (germline): Uncertain significance. Review status: criteria provided, multiple submitters, no conflicts (2 of 4 stars). 2 submissions from 2 submitters: Uncertain significance (2). Last evaluated 2025-03-16.

Conditions:
Congenital disorder of glycosylation (CDG). Also called: Carbohydrate-deficient glycoprotein syndrome; Congenital disorders of glycosylation. Identifiers: Orphanet 137, MedGen C0282577, MONDO:0015286.
Developmental and epileptic encephalopathy, 36 (DEE36). Also called: Epileptic encephalopathy, early infantile, 36; Congenital disorder of glycosylation, type Is; ALG13-CDG. Identifiers: Orphanet 324422, MedGen C4317295, MONDO:0010472, OMIM 300884.

Allele frequency attached by ClinVar (database versions not stated): gnomAD exomes 0.00001; ESP Exome Variant Server 0.00012.
gnomAD v4.1: 7 of 1,209,290 alleles (0.00058%); highest among the groups gnomAD compares: Non-Finnish European, 0.00078%; no homozygotes.

Submissions (2):

Labcorp Genetics (formerly Invitae), Labcorp
Classification: Uncertain significance for Developmental and epileptic encephalopathy, 36. Last evaluated: 2025-03-16. Review status: criteria provided, single submitter. Criteria: Invitae Variant Classification Sherloc (09022015). Collection method: clinical testing. Allele origin: germline.
Comment: This sequence change replaces arginine, which is basic and polar, with glutamine, which is neutral and polar, at codon 791 of the ALG13 protein (p.Arg791Gln). The frequency data for this variant in the population databases is considered unreliable, as metrics indicate poor data quality at this position in the gnomAD database. This variant has not been reported in the literature in individuals affected with ALG13-related conditions. ClinVar contains an entry for this variant (Variation ID: 540338). Invitae Evidence Modeling of protein sequence and biophysical properties (such as structural, functional, and spatial information, amino acid conservation, physicochemical variation, residue mobility, and thermodynamic stability) indicates that this missense variant is not expected to disrupt ALG13 protein function with a negative predictive value of 95%. In summary, the available evidence is currently insufficient to determine the role of this variant in disease. Therefore, it has been classified as a Variant of Uncertain Significance.

CeGaT Center for Human Genetics Tuebingen
Classification: Uncertain significance. Last evaluated: 2022-09-01. Review status: criteria provided, single submitter. Criteria: CeGaT Center For Human Genetics Tuebingen Variant Classification Criteria Version 2. Collection method: clinical testing. Allele origin: germline. Affected: yes. Observed: 1 variant allele.
Comment: ALG13: PM2, BP4